The following is an entry in ClinVar:

NM_020949.3(SLC7A14):c.587C>T (p.Ala196Val)

Genes: SLC7A14-AS1 (SLC7A14 antisense RNA 1; plus strand), SLC7A14 (solute carrier family 7 member 14; minus strand). Cytogenetic location: 3q26.2.
Variant type: single nucleotide variant.
Coding change: c.587C>T on transcript NM_020949.3 (MANE Select); coding-DNA position 587, C replaced by T.
Protein change: p.Ala196Val; replaces alanine 196 with valine.
Molecular consequence: missense variant.
Genome position (GRCh38, 1-based): chr3:170,498,839, G>A on the plus strand (C>T on the coding strand, the complement: SLC7A14 is on the minus strand). VCF-style: chr3-170498839-G-A. GRCh37 (hg19) VCF-style: chr3-170216628-G-A.
Other names: short protein forms A196V.
Identifiers: ClinVar variation 4754033 (VCV004754033.1).

ClinVar aggregate classification (germline): Uncertain significance (1 of 4 stars; one submission).

gnomAD v4.1: 13 of 1,614,024 alleles (0.00081%); highest among the groups gnomAD compares: Middle Eastern, 0.016%; no homozygotes.

Submission:

Labcorp Genetics (formerly Invitae), Labcorp
Classification: Uncertain significance. Last evaluated: 2025-08-17. Review status: criteria provided, single submitter. Criteria: Invitae Variant Classification Sherloc (09022015). Collection method: clinical testing. Allele origin: germline.
Comment: This sequence change replaces alanine, which is neutral and non-polar, with valine, which is neutral and non-polar, at codon 196 of the SLC7A14 protein (p.Ala196Val). This variant is present in population databases (rs776182109, gnomAD 0.003%). This variant has not been reported in the literature in individuals affected with SLC7A14-related conditions. An algorithm developed to predict the effect of missense changes on protein structure and function (PolyPhen-2) suggests that this variant is likely to be tolerated. In summary, the available evidence is currently insufficient to determine the role of this variant in disease. Therefore, it has been classified as a Variant of Uncertain Significance.